The following is an entry in ClinVar:

NM_001110556.2(FLNA):c.2467G>T (p.Asp823Tyr)

Gene: FLNA (filamin A; minus strand). Cytogenetic location: Xq28.
Variant type: single nucleotide variant.
Coding change: c.2467G>T on transcript NM_001110556.2 (MANE Select); coding-DNA position 2467, G replaced by T.
Protein change: p.Asp823Tyr; replaces aspartic acid 823 with tyrosine.
Molecular consequence: missense variant.
Genome position (GRCh38, 1-based): chrX:154,362,516, C>A on the plus strand (G>T on the coding strand, the complement: FLNA is on the minus strand). VCF-style: chrX-154362516-C-A. GRCh37 (hg19) VCF-style: chrX-153590884-C-A.
Other names: c.2467G>T, p.Asp823Tyr (NM_001456.4); short protein forms D823Y.
Identifiers: ClinVar variation 4071811 (VCV004071811.1).

ClinVar aggregate classification (germline): Uncertain significance (1 of 4 stars; one submission).

Submission:

GeneDx
Classification: Uncertain significance. Last evaluated: 2025-01-28. Review status: criteria provided, single submitter. Criteria: GeneDx Variant Classification Process June 2021. Collection method: clinical testing. Allele origin: germline. Affected: yes.
Comment: Not observed at significant frequency in large population cohorts (gnomAD); In silico analysis supports that this missense variant has a deleterious effect on protein structure/function; Has not been previously published as pathogenic or benign to our knowledge